The following is an entry in ClinVar:

NM_201589.4(MAFA):c.376C>T (p.Leu126Phe)

Gene: MAFA (MAF bZIP transcription factor A; minus strand). Cytogenetic location: 8q24.3.
Variant type: single nucleotide variant.
Coding change: c.376C>T on transcript NM_201589.4 (MANE Select); coding-DNA position 376, C replaced by T.
Protein change: p.Leu126Phe; replaces leucine 126 with phenylalanine.
Molecular consequence: missense variant.
Genome position (GRCh38, 1-based): chr8:143,430,031, G>A on the plus strand (C>T on the coding strand, the complement: MAFA is on the minus strand). VCF-style: chr8-143430031-G-A. GRCh37 (hg19) VCF-style: chr8-144512201-G-A.
Other names: short protein forms L126F.
Identifiers: ClinVar variation 4984541 (VCV004984541.1).
Genomic context (GRCh38, chr8:143,430,031, plus strand): 5'-CGCTGCCGATGAGCGCCTCCACCGCGTCCTCGGGCGTCAGGTTGAGCGCCTCGGGGTTGA[G>A]GTGATGCTGGTAGCCGCTCATCCAGTACAGATCCTCCAGCGCCGGCTTCCCCGAGGTGCC-3'
Protein context (NP_963883.2, residues 116-136): LYWMSGYQHH[Leu126Phe]NPEALNLTPE

ClinVar aggregate classification (germline): Likely benign (1 of 4 stars; one submission).

Conditions:
MAFA-related disorder. Also called: MAFA-related condition.

gnomAD v4.1: 110 of 1,372,006 alleles (0.008%); highest among the groups gnomAD compares: Admixed American, 0.28%; 1 homozygote.

Submission:

PreventionGenetics, part of Exact Sciences
Classification: Likely benign for MAFA-related condition. Last evaluated: 2026-07-23. Review status: criteria provided, single submitter. Criteria: ACMG Guidelines, 2015. Collection method: clinical testing. Allele origin: germline.
Comment: This variant is classified as likely benign based on ACMG/AMP sequence variant interpretation guidelines (Richards et al. 2015 PMID: 25741868, with internal and published modifications).